The following is an entry in ClinVar:

ClinVar aggregate classification (germline): Uncertain significance. Review status: criteria provided, multiple submitters, no conflicts (2 of 4 stars). 5 submissions from 5 submitters: Uncertain significance (5). Last evaluated 2025-10-18.

Conditions:
Hereditary cancer-predisposing syndrome. Also called: Tumor predisposition; Hereditary Cancer Syndrome; Neoplastic Syndromes, Hereditary; Hereditary neoplastic syndrome. Identifiers: Orphanet 140162, MedGen C0027672, MeSH D009386, MONDO:0015356.
Neurofibromatosis, type 2 (SWNV). Also called: BILATERAL ACOUSTIC NEUROFIBROMATOSIS; SCHWANNOMATOSIS, VESTIBULAR; NF2-Related Schwannomatosis. Identifiers: Orphanet 637, MedGen C0027832, MONDO:0007039, OMIM 101000. Disease mechanism: loss of function.

Allele frequency attached by ClinVar (database versions not stated): gnomAD exomes below 0.00001; gnomAD 0.00001.
gnomAD v4.1: 5 of 1,613,922 alleles (0.00031%); highest among the groups gnomAD compares: Admixed American, 0.0017%; no homozygotes.

Submissions (5):

Labcorp Genetics (formerly Invitae), Labcorp
Classification: Uncertain significance for Neurofibromatosis, type 2. Last evaluated: 2025-10-18. Review status: criteria provided, single submitter. Criteria: Invitae Variant Classification Sherloc (09022015). Collection method: clinical testing. Allele origin: germline.
Comment: This sequence change replaces valine, which is neutral and non-polar, with isoleucine, which is neutral and non-polar, at codon 318 of the NF2 protein (p.Val318Ile). This variant is present in population databases (no rsID available, gnomAD 0.003%). This variant has not been reported in the literature in individuals affected with NF2-related conditions. ClinVar contains an entry for this variant (Variation ID: 950659). Invitae Evidence Modeling of protein sequence and biophysical properties (such as structural, functional, and spatial information, amino acid conservation, physicochemical variation, residue mobility, and thermodynamic stability) indicates that this missense variant is not expected to disrupt NF2 protein function with a negative predictive value of 80%. In summary, the available evidence is currently insufficient to determine the role of this variant in disease. Therefore, it has been classified as a Variant of Uncertain Significance.

Ambry Genetics
Classification: Uncertain significance for Hereditary cancer-predisposing syndrome. Last evaluated: 2025-05-19. Review status: criteria provided, single submitter. Criteria: Ambry Variant Classification Scheme 2023. Collection method: clinical testing. Allele origin: germline.
Comment: The p.V318I variant (also known as c.952G>A), located in coding exon 10 of the NF2 gene, results from a G to A substitution at nucleotide position 952. The valine at codon 318 is replaced by isoleucine, an amino acid with highly similar properties. This alteration was detected in a cohort of unrelated Brazilian individuals with breast cancer (Sandoval RL et al. PLoS One, 2021 Feb;16:e0247363). This amino acid position is highly conserved in available vertebrate species. In addition, this alteration is predicted to be tolerated by in silico analysis. Since supporting evidence is limited at this time, the clinical significance of this alteration remains unclear.

GeneDx
Classification: Uncertain significance. Last evaluated: 2024-05-14. Review status: criteria provided, single submitter. Criteria: GeneDx Variant Classification Process June 2021. Collection method: clinical testing. Allele origin: germline. Affected: yes.
Comment: In silico analysis indicates that this missense variant does not alter protein structure/function; Has not been previously published as pathogenic or benign to our knowledge; This variant is associated with the following publications: (PMID: 16324214, 17134719, 22482125)

Color Diagnostics, LLC DBA Color Health
Classification: Uncertain significance for Neurofibromatosis, type 2. Last evaluated: 2024-02-23. Review status: criteria provided, single submitter. Criteria: ACMG Guidelines, 2015. Collection method: clinical testing. Allele origin: germline.
Comment: This missense variant replaces valine with isoleucine at codon 318 of the NF2 protein. Computational prediction suggests that this variant may not impact protein structure and function. To our knowledge, functional studies have not been reported for this variant. This variant has not been reported in individuals affected with NF2-related disorders in the literature. This variant has been identified in 1/251476 chromosomes in the general population by the Genome Aggregation Database (gnomAD). The available evidence is insufficient to determine the role of this variant in disease conclusively. Therefore, this variant is classified as a Variant of Uncertain Significance.

Mendelics
Classification: Uncertain significance. Last evaluated: 2022-05-04. Review status: criteria provided, single submitter. Criteria: Mendelics Assertion Criteria 2019. Collection method: clinical testing. Allele origin: germline.

Literature cited by the submitters: PubMed 33606809 (cited by Ambry Genetics).

NM_000268.4(NF2):c.952G>A (p.Val318Ile)

Gene: NF2 (NF2, moesin-ezrin-radixin like (MERLIN) tumor suppressor; plus strand). Cytogenetic location: 22q12.2.
Variant type: single nucleotide variant.
Coding change: c.952G>A on transcript NM_000268.4 (MANE Select); coding-DNA position 952, G replaced by A.
Protein change: p.Val318Ile; replaces valine 318 with isoleucine.
Molecular consequence: missense variant. On other transcripts: non-coding transcript variant (1), intron variant (1).
Genome position (GRCh38, 1-based): chr22:29,668,399, G>A. VCF-style: chr22-29668399-G-A. GRCh37 (hg19) VCF-style: chr22-30064388-G-A.
Other names: c.952G>A, p.Val318Ile (NM_016418.5, NM_181825.3, NM_181832.3); c.826G>A, p.Val276Ile (NM_181828.3); c.829G>A, p.Val277Ile (NM_181829.3); c.703G>A, p.Val235Ile (NM_181830.3, NM_181831.3); c.447+26114G>A (NM_181833.3); short protein forms V235I, V277I, V318I, V276I.
Identifiers: ClinVar variation 950659 (VCV000950659.16), dbSNP rs996057882, ClinGen allele CA323114520.